The following is an entry in ClinVar:

ClinVar aggregate classification (germline): Conflicting classifications of pathogenicity. Review status: criteria provided, conflicting classifications (1 of 4 stars). 5 submissions from 5 submitters: Uncertain significance (1); Benign (1); Likely benign (2). 1 of the submissions does not count toward it. Last evaluated 2026-01-29.

Conditions:
Pitt-Hopkins-like syndrome 2 (PTHSL2). Identifiers: Orphanet 221150, Orphanet 600663, MedGen C3280479, MONDO:0013690, OMIM 614325.
NRXN1-related disorder.

Allele frequency attached by ClinVar (database versions not stated): ESP Exome Variant Server 0.00008; gnomAD 0.00008 and 0.00015; TOPMed 0.00010; 1000 Genomes Project 30x 0.00016; 1000 Genomes Project 0.00020.
gnomAD v4.1: 456 of 1,612,242 alleles (0.028%); highest among the groups gnomAD compares: Middle Eastern, 0.23%; 4 homozygotes.

Submissions (5):

Labcorp Genetics (formerly Invitae), Labcorp
Classification: Likely benign for Pitt-Hopkins-like syndrome 2. Last evaluated: 2026-01-29. Review status: criteria provided, single submitter. Criteria: Invitae Variant Classification Sherloc (09022015). Collection method: clinical testing. Allele origin: germline.

CeGaT Center for Human Genetics Tuebingen
Classification: Likely benign. Last evaluated: 2025-01-01. Review status: criteria provided, single submitter. Criteria: CeGaT Center For Human Genetics Tuebingen Variant Classification Criteria Version 2. Collection method: clinical testing. Allele origin: germline. Affected: yes. Observed: 1 variant allele.
Comment: NRXN1: BP4, BP7

Eurofins Ntd Llc (ga)
Classification: Uncertain significance. Last evaluated: 2015-02-17. Review status: criteria provided, single submitter. Criteria: EGL Classification Definitions 2015. Collection method: clinical testing. Allele origin: germline. Observed: 1 variant allele, 1 heterozygote.

GeneDx
Classification: Benign. Last evaluated: 2013-07-10. Review status: criteria provided, single submitter. Criteria: GeneDx Variant Classification (06012015). Collection method: clinical testing. Allele origin: germline. Affected: yes.
Comment: This variant is considered likely benign or benign based on one or more of the following criteria: it is a conservative change, it occurs at a poorly conserved position in the protein, it is predicted to be benign by multiple in silico algorithms, and/or has population frequency not consistent with disease.

PreventionGenetics, part of Exact Sciences
Classification: Likely benign for NRXN1-related condition. Last evaluated: 2019-03-05. Review status: no assertion criteria provided. Collection method: clinical testing. Allele origin: germline. Not counted in ClinVar's aggregate classification.
Comment: This variant is classified as likely benign based on ACMG/AMP sequence variant interpretation guidelines (Richards et al. 2015 PMID: 25741868, with internal and published modifications).

NM_001330078.2(NRXN1):c.498G>A (p.Ala166=)

Gene: NRXN1 (neurexin 1; minus strand). Cytogenetic location: 2p16.3.
Variant type: single nucleotide variant.
Coding change: c.498G>A on transcript NM_001330078.2 (MANE Select); coding-DNA position 498, G replaced by A.
Protein change: p.Ala166=; no amino-acid change (alanine 166 retained).
Molecular consequence: synonymous variant.
Genome position (GRCh38, 1-based): chr2:51,027,776, C>T on the plus strand (G>A on the coding strand, the complement: NRXN1 is on the minus strand). VCF-style: chr2-51027776-C-T. GRCh37 (hg19) VCF-style: chr2-51254914-C-T.
Other names: p.A166A:GCG>GCA; c.498G>A, p.Ala166= (NM_001135659.3, NM_001330077.2, NM_001330079.2 and 15 more transcripts); c.498G>A (NM_001135659.2).
Identifiers: ClinVar variation 138556 (VCV000138556.32), dbSNP rs201212909, ClinGen allele CA232553.